The following is an entry in ClinVar:

NM_152564.5(VPS13B):c.1530C>T (p.Arg510=)

Gene: VPS13B (vacuolar protein sorting 13 homolog B; plus strand). Cytogenetic location: 8q22.2.
Variant type: single nucleotide variant.
Coding change: c.1530C>T on transcript NM_152564.5 (MANE Select); coding-DNA position 1530, C replaced by T.
Protein change: p.Arg510=; no amino-acid change (arginine 510 retained).
Molecular consequence: synonymous variant.
Genome position (GRCh38, 1-based): chr8:99,135,700, C>T. VCF-style: chr8-99135700-C-T. GRCh37 (hg19) VCF-style: chr8-100147928-C-T.
Other names: c.1530C>T, p.Arg510= (NM_015243.3, NM_017890.5); c.1530C>T (NM_152564.4).
Identifiers: ClinVar variation 771070 (VCV000771070.14), dbSNP rs149919865, ClinGen allele CA4822647.

ClinVar aggregate classification (germline): Likely benign. Review status: criteria provided, multiple submitters, no conflicts (2 of 4 stars). 4 submissions from 4 submitters: Likely benign (2). 2 of the submissions do not count toward it. Last evaluated 2025-10-29.

Conditions:
VPS13B-related disorder. Also called: VPS13B-related condition.
Cohen syndrome (COH1). Also called: PEPPER SYNDROME; Cutis verticis gyrata, retinitis pigmentosa, and sensorineural deafness. Identifiers: Orphanet 193, MedGen C0265223, MONDO:0008999, OMIM 216550.

Allele frequency attached by ClinVar (database versions not stated): gnomAD exomes 0.00004 and 0.00006; gnomAD 0.00005 and 0.00006; ExAC 0.00007; ESP Exome Variant Server 0.00008; TOPMed 0.00009; 1000 Genomes Project 30x 0.00016; 1000 Genomes Project 0.00020.
gnomAD v4.1: 66 of 1,613,194 alleles (0.0041%); highest among the groups gnomAD compares: African/African-American, 0.021%; no homozygotes.

Submissions (4):

Labcorp Genetics (formerly Invitae), Labcorp
Classification: Likely benign for Cohen syndrome. Last evaluated: 2025-10-29. Review status: criteria provided, single submitter. Criteria: Invitae Variant Classification Sherloc (09022015). Collection method: clinical testing. Allele origin: germline.

Blueprint Genetics
Classification: Likely benign. Last evaluated: 2024-10-24. Review status: criteria provided, single submitter. Criteria: ACMG Guidelines, 2015. Collection method: clinical testing. Allele origin: germline.

PreventionGenetics, part of Exact Sciences
Classification: Likely benign for VPS13B-related condition. Last evaluated: 2021-07-21. Review status: no assertion criteria provided. Collection method: clinical testing. Allele origin: germline. Not counted in ClinVar's aggregate classification.
Comment: This variant is classified as likely benign based on ACMG/AMP sequence variant interpretation guidelines (Richards et al. 2015 PMID: 25741868, with internal and published modifications).

Natera, Inc.
Classification: Likely benign for Cohen syndrome. Last evaluated: 2020-09-16. Review status: no assertion criteria provided. Collection method: clinical testing. Allele origin: germline. Not counted in ClinVar's aggregate classification.